The following is an entry in ClinVar:

NM_001232.4(CASQ2):c.878G>A (p.Arg293Gln)

Gene: CASQ2 (calsequestrin 2; minus strand). Cytogenetic location: 1p13.1.
Variant type: single nucleotide variant.
Coding change: c.878G>A on transcript NM_001232.4 (MANE Select); coding-DNA position 878, G replaced by A.
Protein change: p.Arg293Gln; replaces arginine 293 with glutamine.
Molecular consequence: missense variant.
Genome position (GRCh38, 1-based): chr1:115,705,253, C>T on the plus strand (G>A on the coding strand, the complement: CASQ2 is on the minus strand). VCF-style: chr1-115705253-C-T. GRCh37 (hg19) VCF-style: chr1-116247874-C-T.
Other names: c.878G>A (NM_001232.3); short protein forms R293Q.
Identifiers: ClinVar variation 1420129 (VCV001420129.7), dbSNP rs377691566, ClinGen allele CA1023705.

ClinVar aggregate classification (germline): Uncertain significance. Review status: criteria provided, multiple submitters, no conflicts (2 of 4 stars). 4 submissions from 4 submitters: Uncertain significance (4). Last evaluated 2023-12-16.

Conditions:
Cardiovascular phenotype. Identifiers: MedGen CN230736.
Catecholaminergic polymorphic ventricular tachycardia 1. Also called: RYR2-Related Catecholaminergic Polymorphic Ventricular Tachycardia; VENTRICULAR TACHYCARDIA, CATECHOLAMINERGIC POLYMORPHIC, 1, WITH OR WITHOUT ATRIAL DYSFUNCTION AND/OR DILATED CARDIOMYOPATHY; VENTRICULAR TACHYCARDIA, STRESS-INDUCED POLYMORPHIC 1. Identifiers: Orphanet 3286, MedGen C1631597, MONDO:0011484, OMIM 604772.
Catecholaminergic polymorphic ventricular tachycardia 2. Also called: CASQ2-Related Catecholaminergic Polymorphic Ventricular Tachycardia; VENTRICULAR TACHYCARDIA, STRESS-INDUCED POLYMORPHIC 2. Identifiers: Orphanet 3286, MedGen C2677794, MONDO:0012762, OMIM 611938.

Allele frequency attached by ClinVar (database versions not stated): gnomAD exomes 0.00002; ExAC 0.00003; gnomAD 0.00003; TOPMed 0.00003; ESP Exome Variant Server 0.00008.
gnomAD v4.1: 17 of 1,613,914 alleles (0.0011%); highest among the groups gnomAD compares: Middle Eastern, 0.016%; no homozygotes.

Submissions (4):

Ambry Genetics
Classification: Uncertain significance for Cardiovascular phenotype. Last evaluated: 2023-12-16. Review status: criteria provided, single submitter. Criteria: Ambry Variant Classification Scheme 2023. Collection method: clinical testing. Allele origin: germline.

Genome-Nilou Lab
Classification: Uncertain significance for Catecholaminergic polymorphic ventricular tachycardia 2. Last evaluated: 2023-04-11. Review status: criteria provided, single submitter. Criteria: ACMG Guidelines, 2015. Collection method: clinical testing. Allele origin: germline. Affected: no.

Blueprint Genetics
Classification: Uncertain significance. Last evaluated: 2022-10-26. Review status: criteria provided, single submitter. Criteria: ACMG Guidelines, 2015. Collection method: clinical testing. Allele origin: germline.

Labcorp Genetics (formerly Invitae), Labcorp
Classification: Uncertain significance for Catecholaminergic polymorphic ventricular tachycardia 1. Last evaluated: 2021-11-20. Review status: criteria provided, single submitter. Criteria: Invitae Variant Classification Sherloc (09022015). Collection method: clinical testing. Allele origin: germline.
Comment: This sequence change replaces arginine, which is basic and polar, with glutamine, which is neutral and polar, at codon 293 of the CASQ2 protein (p.Arg293Gln). This variant is present in population databases (rs377691566, gnomAD 0.01%). This variant has not been reported in the literature in individuals affected with CASQ2-related conditions. Algorithms developed to predict the effect of missense changes on protein structure and function are either unavailable or do not agree on the potential impact of this missense change (SIFT: "Tolerated"; PolyPhen-2: "Possibly Damaging"; Align-GVGD: "Class C0"). In summary, the available evidence is currently insufficient to determine the role of this variant in disease. Therefore, it has been classified as a Variant of Uncertain Significance.